The following is an entry in ClinVar:

ClinVar aggregate classification (germline): Likely benign. Review status: criteria provided, multiple submitters, no conflicts (2 of 4 stars). 2 submissions from 2 submitters: Likely benign (2). Last evaluated 2025-11-03.

Conditions:
Multiple mitochondrial dysfunctions syndrome 3 (MMDS3). Identifiers: Orphanet 363424, MedGen C3809165, MONDO:0014132, OMIM 615330.
Hereditary spastic paraplegia 74. Also called: Spastic paraplegia 74, autosomal recessive. Identifiers: Orphanet 468661, MedGen C5568837, MONDO:0014644, OMIM 616451.

Allele frequency attached by ClinVar (database versions not stated): ExAC 0.00003; TOPMed 0.00003; 1000 Genomes Project 0.00020; 1000 Genomes Project 30x 0.00031.
gnomAD v4.1: 13 of 1,610,156 alleles (0.00081%); highest among the groups gnomAD compares: Admixed American, 0.01%; no homozygotes.

Submissions (2):

Labcorp Genetics (formerly Invitae), Labcorp
Classification: Likely benign for Multiple mitochondrial dysfunctions syndrome 3; Hereditary spastic paraplegia 74. Last evaluated: 2025-11-03. Review status: criteria provided, single submitter. Criteria: Invitae Variant Classification Sherloc (09022015). Collection method: clinical testing. Allele origin: germline.

CeGaT Center for Human Genetics Tuebingen
Classification: Likely benign. Last evaluated: 2024-02-01. Review status: criteria provided, single submitter. Criteria: CeGaT Center For Human Genetics Tuebingen Variant Classification Criteria Version 2. Collection method: clinical testing. Allele origin: germline. Affected: yes. Observed: 1 variant allele.
Comment: IBA57: BP4, BP7

NM_001010867.4(IBA57):c.420C>G (p.Leu140=)

Gene: IBA57 (iron-sulfur cluster assembly factor IBA57; plus strand). Cytogenetic location: 1q42.13.
Variant type: single nucleotide variant.
Coding change: c.420C>G on transcript NM_001010867.4 (MANE Select); coding-DNA position 420, C replaced by G.
Protein change: p.Leu140=; no amino-acid change (leucine 140 retained).
Molecular consequence: synonymous variant. On other transcripts: 5 prime UTR variant (1).
Genome position (GRCh38, 1-based): chr1:228,174,770, C>G. VCF-style: chr1-228174770-C-G. GRCh37 (hg19) VCF-style: chr1-228362471-C-G.
Other names: c.-160C>G (NM_001310327.2).
Identifiers: ClinVar variation 745362 (VCV000745362.29), dbSNP rs555630458, ClinGen allele CA1431143.